The following is an entry in ClinVar:

ClinVar aggregate classification (germline): Benign (1 of 4 stars; one submission).

Conditions:
Glycogen storage disease, type II (IOPD). Also called: Pompe Disease; CARDIOMEGALIA GLYCOGENICA DIFFUSA; GLYCOGENOSIS, GENERALIZED, CARDIAC FORM; GSD II; POMPE DISEASE, INFANTILE-ONSET; GLYCOGEN STORAGE DISEASE II, INFANTILE-ONSET. Identifiers: Orphanet 365, MedGen C0017921, MONDO:0009290, OMIM 232300.

gnomAD v4.1: 10,249 of 67,780 alleles (15%); highest among the groups gnomAD compares: African/African-American, 27%; 510 homozygotes.

Submission:

Genomenon, Inc
Classification: Benign for Glycogen storage disease, type II. Last evaluated: 2026-07-01. Review status: criteria provided, single submitter. Criteria: Genomenon Sequence Variant Interpretation Standards - Updated. Collection method: curation. Allele origin: germline. Affected: no.
Comment: GAA c.2189+723G>A is an intronic variant located in intron 15. This variant is present at high allele frequency in population databases. We classify GAA c.2189+723G>A as a benign variant.

NM_000152.5(GAA):c.2189+723G>A

Gene: GAA (alpha glucosidase; plus strand). Cytogenetic location: 17q25.3.
Variant type: single nucleotide variant.
Coding change: c.2189+723G>A on transcript NM_000152.5 (MANE Select); 723 bases into the intron after coding-DNA position 2189, G replaced by A.
Molecular consequence: intron variant.
Genome position (GRCh38, 1-based): chr17:80,114,089, G>A. VCF-style: chr17-80114089-G-A. GRCh37 (hg19) VCF-style: chr17-78087888-G-A.
Other names: c.2189+723G>A (NM_001406741.1, NM_001406742.1, NM_001079803.3 and 1 more transcripts).
Identifiers: ClinVar variation 4876366 (VCV004876366.1).